The following is an entry in ClinVar:

NM_031935.3(HMCN1):c.11530C>A (p.Leu3844Ile)

Gene: HMCN1 (hemicentin 1; plus strand). Cytogenetic location: 1q31.1.
Variant type: single nucleotide variant.
Coding change: c.11530C>A on transcript NM_031935.3 (MANE Select); coding-DNA position 11530, C replaced by A.
Protein change: p.Leu3844Ile; replaces leucine 3844 with isoleucine.
Molecular consequence: missense variant.
Genome position (GRCh38, 1-based): chr1:186,115,383, C>A. VCF-style: chr1-186115383-C-A. GRCh37 (hg19) VCF-style: chr1-186084515-C-A.
Other names: short protein forms L3844I.
Identifiers: ClinVar variation 4754874 (VCV004754874.1).

ClinVar aggregate classification (germline): Uncertain significance (1 of 4 stars; one submission).

Submission:

Labcorp Genetics (formerly Invitae), Labcorp
Classification: Uncertain significance. Last evaluated: 2025-04-02. Review status: criteria provided, single submitter. Criteria: Invitae Variant Classification Sherloc (09022015). Collection method: clinical testing. Allele origin: germline.
Comment: This sequence change replaces leucine, which is neutral and non-polar, with isoleucine, which is neutral and non-polar, at codon 3844 of the HMCN1 protein (p.Leu3844Ile). This variant is present in population databases (rs754718337, gnomAD 0.03%). This variant has not been reported in the literature in individuals affected with HMCN1-related conditions. An algorithm developed to predict the effect of missense changes on protein structure and function (PolyPhen-2) suggests that this variant is likely to be disruptive. In summary, the available evidence is currently insufficient to determine the role of this variant in disease. Therefore, it has been classified as a Variant of Uncertain Significance.